The following is an entry in ClinVar:

NM_017654.4(SAMD9):c.514C>A (p.Pro172Thr)

Gene: SAMD9 (sterile alpha motif domain containing 9; minus strand). Cytogenetic location: 7q21.2.
Variant type: single nucleotide variant.
Coding change: c.514C>A on transcript NM_017654.4 (MANE Select); coding-DNA position 514, C replaced by A.
Protein change: p.Pro172Thr; replaces proline 172 with threonine.
Molecular consequence: missense variant.
Genome position (GRCh38, 1-based): chr7:93,105,584, G>T on the plus strand (C>A on the coding strand, the complement: SAMD9 is on the minus strand). VCF-style: chr7-93105584-G-T. GRCh37 (hg19) VCF-style: chr7-92734897-G-T.
Other names: c.514C>A, p.Pro172Thr (NM_001193307.2); short protein forms P172T.
Identifiers: ClinVar variation 4629992 (VCV004629992.1).

ClinVar aggregate classification (germline): Uncertain significance (1 of 4 stars; one submission).

Conditions:
Inborn genetic diseases. Identifiers: MedGen C0950123, MeSH D030342.

Submission:

Ambry Genetics
Classification: Uncertain significance for Inborn genetic diseases. Last evaluated: 2025-12-11. Review status: criteria provided, single submitter. Criteria: Ambry Variant Classification Scheme 2023. Collection method: clinical testing. Allele origin: germline.
Comment: The p.P172T variant (also known as c.514C>A), located in coding exon 1 of the SAMD9 gene, results from a C to A substitution at nucleotide position 514. The proline at codon 172 is replaced by threonine, an amino acid with highly similar properties. This amino acid position is conserved. In addition, this alteration is predicted to be tolerated by in silico analysis. Based on the available evidence, the clinical significance of this variant remains unclear.